The following is an entry in ClinVar:

NM_000059.4(BRCA2):c.2987T>A (p.Leu996His)

Gene: BRCA2 (BRCA2 DNA repair associated; plus strand). Cytogenetic location: 13q13.1.
Variant type: single nucleotide variant.
Coding change: c.2987T>A on transcript NM_000059.4 (MANE Select); coding-DNA position 2987, T replaced by A.
Protein change: p.Leu996His; replaces leucine 996 with histidine.
Molecular consequence: missense variant. On other transcripts: non-coding transcript variant (1), intron variant (2).
Genome position (GRCh38, 1-based): chr13:32,337,342, T>A. VCF-style: chr13-32337342-T-A. GRCh37 (hg19) VCF-style: chr13-32911479-T-A.
Other names: c.2987T>A, p.Leu996His (NM_001406719.1, NM_001406720.1); c.1909+3955T>A (NM_001406721.1); c.424+6312T>A (NM_001406722.1); short protein forms L996H.
Identifiers: ClinVar variation 2774893 (VCV002774893.2), dbSNP rs80358545, ClinGen allele CA387774594.

ClinVar aggregate classification (germline): Uncertain significance (1 of 4 stars; one submission).

Conditions:
Hereditary cancer-predisposing syndrome. Also called: Neoplastic Syndromes, Hereditary; Tumor predisposition; Hereditary Cancer Syndrome; Hereditary neoplastic syndrome. Identifiers: Orphanet 140162, MedGen C0027672, MeSH D009386, MONDO:0015356.

Submission:

Color Diagnostics, LLC DBA Color Health
Classification: Uncertain significance for Hereditary cancer-predisposing syndrome. Last evaluated: 2022-05-06. Review status: criteria provided, single submitter. Criteria: ACMG Guidelines, 2015. Collection method: clinical testing. Allele origin: germline.
Comment: This missense variant replaces leucine with histidine at codon 996 of the BRCA2 protein. Computational prediction suggests that this variant may not impact protein structure and function (internally defined REVEL score threshold <= 0.5, PMID: 27666373). To our knowledge, functional studies have not been reported for this variant. This variant has not been reported in individuals affected with hereditary cancer in the literature. This variant has not been identified in the general population by the Genome Aggregation Database (gnomAD). The available evidence is insufficient to determine the role of this variant in disease conclusively. Therefore, this variant is classified as a Variant of Uncertain Significance.